The following is an entry in ClinVar:

ClinVar aggregate classification (germline): Uncertain significance. Review status: criteria provided, multiple submitters, no conflicts (2 of 4 stars). 3 submissions from 3 submitters: Uncertain significance (3). Last evaluated 2025-07-25.

Conditions:
Hereditary cancer-predisposing syndrome. Also called: Neoplastic Syndromes, Hereditary; Hereditary neoplastic syndrome; Tumor predisposition; Hereditary Cancer Syndrome. Identifiers: Orphanet 140162, MedGen C0027672, MeSH D009386, MONDO:0015356.
Hereditary diffuse gastric adenocarcinoma (HDGC). Also called: DIFFUSE GASTRIC AND LOBULAR BREAST CANCER SYNDROME. Identifiers: Orphanet 26106, MedGen C1708349, MONDO:0007648, OMIM 137215.

gnomAD v4.1: 1 of 1,614,008 alleles (0.000062%); highest among the groups gnomAD compares: African/African-American, 0.0013%; no homozygotes.

Submissions (3):

Labcorp Genetics (formerly Invitae), Labcorp
Classification: Uncertain significance for Hereditary diffuse gastric adenocarcinoma. Last evaluated: 2025-07-25. Review status: criteria provided, single submitter. Criteria: Invitae Variant Classification Sherloc (09022015). Collection method: clinical testing. Allele origin: germline.
Comment: This sequence change replaces arginine, which is basic and polar, with leucine, which is neutral and non-polar, at codon 74 of the CDH1 protein (p.Arg74Leu). This variant is not present in population databases (gnomAD no frequency). This variant has not been reported in the literature in individuals affected with CDH1-related conditions. ClinVar contains an entry for this variant (Variation ID: 532452). An algorithm developed to predict the effect of missense changes on protein structure and function (PolyPhen-2) suggests that this variant is likely to be disruptive. In summary, the available evidence is currently insufficient to determine the role of this variant in disease. Therefore, it has been classified as a Variant of Uncertain Significance.

Ambry Genetics
Classification: Uncertain significance for Hereditary cancer-predisposing syndrome. Last evaluated: 2024-10-20. Review status: criteria provided, single submitter. Criteria: Ambry Variant Classification Scheme 2023. Collection method: clinical testing. Allele origin: germline.
Comment: The p.R74L variant (also known as c.221G>T), located in coding exon 3 of the CDH1 gene, results from a G to T substitution at nucleotide position 221. The arginine at codon 74 is replaced by leucine, an amino acid with dissimilar properties. This amino acid position is well conserved in available vertebrate species. In addition, this alteration is predicted to be tolerated by in silico analysis. Since supporting evidence is limited at this time, the clinical significance of this alteration remains unclear.

GeneDx
Classification: Uncertain significance. Last evaluated: 2020-03-06. Review status: criteria provided, single submitter. Criteria: GeneDx Variant Classification Process June 2021. Collection method: clinical testing. Allele origin: germline. Affected: yes.
Comment: Not observed in large population cohorts (Lek et al., 2016); In silico analysis supports that this missense variant has a deleterious effect on protein structure/function; Has not been previously published as pathogenic or benign to our knowledge

NM_004360.5(CDH1):c.221G>T (p.Arg74Leu)

Gene: CDH1 (cadherin 1; plus strand). Cytogenetic location: 16q22.1.
Variant type: single nucleotide variant.
Coding change: c.221G>T on transcript NM_004360.5 (MANE Select); coding-DNA position 221, G replaced by T.
Protein change: p.Arg74Leu; replaces arginine 74 with leucine.
Molecular consequence: missense variant. On other transcripts: 5 prime UTR variant (2).
Genome position (GRCh38, 1-based): chr16:68,801,727, G>T. VCF-style: chr16-68801727-G-T. GRCh37 (hg19) VCF-style: chr16-68835630-G-T.
Other names: c.221G>T (LRG_301t1); c.221G>T, p.Arg74Leu (NM_001317184.2); c.-1395G>T (NM_001317185.2); c.-1599G>T (NM_001317186.2); short protein forms R74L.
Identifiers: ClinVar variation 532452 (VCV000532452.15), dbSNP rs761562625, ClinGen allele CA396457188.